The following is an entry in ClinVar:

NM_006270.5(RRAS):c.154-4C>G

Gene: RRAS (RAS related; minus strand). Cytogenetic location: 19q13.33.
Variant type: single nucleotide variant.
Coding change: c.154-4C>G on transcript NM_006270.5 (MANE Select); 4 bases into the intron before coding-DNA position 154, C replaced by G.
Molecular consequence: intron variant.
Genome position (GRCh38, 1-based): chr19:49,637,134, G>C on the plus strand (C>G on the coding strand, the complement: RRAS is on the minus strand). VCF-style: chr19-49637134-G-C. GRCh37 (hg19) VCF-style: chr19-50140391-G-C.
Identifiers: ClinVar variation 457983 (VCV000457983.16), dbSNP rs372925843, ClinGen allele CA9579135.

ClinVar aggregate classification (germline): Benign/Likely benign. Review status: criteria provided, multiple submitters, no conflicts (2 of 4 stars). 4 submissions from 4 submitters: Benign (2); Likely benign (2). Last evaluated 2025-12-26.

Conditions:
Noonan syndrome (NS). Also called: Noonan's syndrome. Identifiers: Orphanet 648, MedGen C0028326, MeSH D009634, MONDO:0018997. Disease mechanism: gain of function.

Allele frequency attached by ClinVar (database versions not stated): 1000 Genomes Project 30x 0.00031; gnomAD 0.00042 and 0.00057; ESP Exome Variant Server 0.00046; gnomAD exomes 0.00051 and 0.00083; TOPMed 0.00062; ExAC 0.00076.

Submissions (4):

Labcorp Genetics (formerly Invitae), Labcorp
Classification: Likely benign for Noonan syndrome. Last evaluated: 2025-12-26. Review status: criteria provided, single submitter. Criteria: Invitae Variant Classification Sherloc (09022015). Collection method: clinical testing. Allele origin: germline.

Blueprint Genetics
Classification: Likely benign. Last evaluated: 2024-11-11. Review status: criteria provided, single submitter. Criteria: ACMG Guidelines, 2015. Collection method: clinical testing. Allele origin: germline.

GeneDx
Classification: Benign. Last evaluated: 2021-05-08. Review status: criteria provided, single submitter. Criteria: GeneDx Variant Classification Process June 2021. Collection method: clinical testing. Allele origin: germline. Affected: yes.

Women's Health and Genetics/Laboratory Corporation of America, LabCorp
Classification: Benign. Last evaluated: 2020-10-19. Review status: criteria provided, single submitter. Criteria: LabCorp Variant Classification Summary - May 2015. Collection method: clinical testing. Allele origin: germline.
Comment: Variant summary: RRAS c.154-4C>G alters a non-conserved nucleotide located close to a canonical splice site and therefore could affect mRNA splicing, leading to a significantly altered protein sequence. 4/4 computational tools predict no significant impact on normal splicing. However, these predictions have yet to be confirmed by functional studies. The variant allele was found at a frequency of 0.00051 in 238238 control chromosomes, predominantly at a frequency of 0.001 within the Non-Finnish European subpopulation in the gnomAD database. The observed variant frequency within Non-Finnish European control individuals in the gnomAD database is approximately 400-fold the estimated maximal expected allele frequency for a pathogenic variant in RRAS causing Noonan Syndrome And Related Conditions phenotype (2.5e-06), strongly suggesting that the variant is a benign polymorphism found primarily in populations of Non-Finnish European origin. To our knowledge, no occurrence of c.154-4C>G in individuals affected with Noonan Syndrome And Related Conditions and no experimental evidence demonstrating its impact on protein function have been reported. One clinical diagnostic laboratory has submitted clinical-significance assessments for this variant to ClinVar after 2014 without evidence for independent evaluation and cited the variant as likely benign. Based on the evidence outlined above, the variant was classified as benign.